The following is an entry in ClinVar:

ClinVar aggregate classification (germline): Uncertain significance (1 of 4 stars; one submission).

Submission:

Women's Health and Genetics/Laboratory Corporation of America, LabCorp
Classification: Uncertain significance. Last evaluated: 2023-01-27. Review status: criteria provided, single submitter. Criteria: LabCorp Variant Classification Summary - May 2015. Collection method: clinical testing. Allele origin: germline.
Comment: Variant summary: CHRNA4 c.1759-17G>C alters a non-conserved nucleotide located close to a canonical splice site and therefore could affect mRNA splicing, leading to a significantly altered protein sequence. 4/4 computational tools predict no significant impact on normal splicing. However, these predictions have yet to be confirmed by functional studies. The variant was absent in 246868 control chromosomes (gnomAD). The available data on variant occurrences in the general population are insufficient to allow any conclusion about variant significance. To our knowledge, no occurrence of c.1759-17G>C in individuals affected with Epilepsy, Nocturnal Frontal Lobe, Type 1 and no experimental evidence demonstrating its impact on protein function have been reported. No clinical diagnostic laboratories have submitted clinical-significance assessments for this variant to ClinVar after 2014. Based on the evidence outlined above, the variant was classified as uncertain significance.

NM_000744.7(CHRNA4):c.1759-17G>C

Gene: CHRNA4 (cholinergic receptor nicotinic alpha 4 subunit; minus strand). Cytogenetic location: 20q13.33.
Variant type: single nucleotide variant.
Coding change: c.1759-17G>C on transcript NM_000744.7 (MANE Select); 17 bases into the intron before coding-DNA position 1759, G replaced by C.
Molecular consequence: intron variant.
Genome position (GRCh38, 1-based): chr20:63,346,880, C>G on the plus strand (G>C on the coding strand, the complement: CHRNA4 is on the minus strand). VCF-style: chr20-63346880-C-G. GRCh37 (hg19) VCF-style: chr20-61978232-C-G.
Other names: c.1231-17G>C (NM_001256573.2).
Identifiers: ClinVar variation 2429164 (VCV002429164.3), dbSNP rs201735615, ClinGen allele CA2580098383.